The following is an entry in ClinVar:

NM_000059.4(BRCA2):c.9275_9276del (p.Tyr3092fs)

Gene: BRCA2 (BRCA2 DNA repair associated; plus strand). Cytogenetic location: 13q13.1.
Variant type: Deletion.
Coding change: c.9275_9276del on transcript NM_000059.4 (MANE Select); coding-DNA positions 9275 to 9276, 2 bases deleted (AT; older notation c.9275_9276delAT).
Protein change: p.Tyr3092fs; shifts the reading frame from tyrosine 3092.
Molecular consequence: frameshift variant.
Genome position (GRCh38, 1-based): chr13:32,394,707-32,394,708, AT deleted; deleting any 2 consecutive bases within chr13:32,394,706-32,394,708 gives the same sequence; the c. name uses the placement nearest the transcript's 3' end. VCF-style (leftmost placement, unchanged base first): chr13-32394705-CTA-C. GRCh37 (hg19) VCF-style: chr13-32968842-CTA-C.
Other names: 9503_9504delAT; c.9275_9276delAT (NM_000059.3).
Identifiers: ClinVar variation 52801 (VCV000052801.20), dbSNP rs397508043, ClinGen allele CA026078.
Genomic context (GRCh38, chr13:32,394,705, plus strand): 5'-TAACACATCTATAATAACATTCTTTTCTTTTTTTTCCATTCTAGGACTTGCCCCTTTCGT[CTA>C]TTTGTCAGACGAATGTTACAATTTACTGGCAATAAAGTTTTGGATAGACCTTAATGAGGA-3'

ClinVar aggregate classification (germline): Pathogenic. Review status: reviewed by expert panel (3 of 4 stars). 5 submissions from 5 submitters: Pathogenic (1). 4 of the submissions do not count toward it. Last evaluated 2016-10-18.

Conditions:
Hereditary breast ovarian cancer syndrome. Also called: Hereditary breast and ovarian cancer syndrome; Hereditary breast and ovarian cancer; Hereditary breast and ovarian cancer syndrome (HBOC); Breast and ovarian cancer; Hereditary breast and/or ovarian cancer syndrome; BRCA1- and BRCA2-Associated Hereditary Breast and Ovarian Cancer. Identifiers: Orphanet 145, MedGen C0677776, MeSH D061325, MONDO:0003582. Disease mechanism: loss of function.
Hereditary cancer-predisposing syndrome. Also called: Neoplastic Syndromes, Hereditary; Tumor predisposition; Hereditary neoplastic syndrome; Hereditary Cancer Syndrome. Identifiers: Orphanet 140162, MedGen C0027672, MeSH D009386, MONDO:0015356.
Breast-ovarian cancer, familial, susceptibility to, 2 (BROVCA2). Also called: BRCA2 Hereditary Breast and Ovarian Cancer. Identifiers: Orphanet 145, MedGen C2675520, MONDO:0012933, OMIM 612555. Disease mechanism: loss of function.

Submissions (5):

Evidence-based Network for the Interpretation of Germline Mutant Alleles (ENIGMA)
Classification: Pathogenic for Breast-ovarian cancer, familial, susceptibility to, 2. Last evaluated: 2016-10-18. Review status: reviewed by expert panel. Criteria: ENIGMA BRCA1/2 Classification Criteria (2015). Collection method: curation. Allele origin: germline.
Comment: Variant allele predicted to encode a truncated non-functional protein.

Labcorp Genetics (formerly Invitae), Labcorp
Classification: Pathogenic for Hereditary breast ovarian cancer syndrome. Last evaluated: 2022-10-05. Review status: criteria provided, single submitter. Criteria: Invitae Variant Classification Sherloc (09022015). Collection method: clinical testing. Allele origin: germline. Not counted in ClinVar's aggregate classification.
Comment: For these reasons, this variant has been classified as Pathogenic. ClinVar contains an entry for this variant (Variation ID: 52801). This premature translational stop signal has been observed in individual(s) with breast cancer (PMID: 22798144, 28205045). This variant is not present in population databases (gnomAD no frequency). This sequence change creates a premature translational stop signal (p.Tyr3092Phefs*18) in the BRCA2 gene. It is expected to result in an absent or disrupted protein product. Loss-of-function variants in BRCA2 are known to be pathogenic (PMID: 20104584).

Ambry Genetics
Classification: Pathogenic for Hereditary cancer-predisposing syndrome. Last evaluated: 2022-05-22. Review status: criteria provided, single submitter. Criteria: Ambry Variant Classification Scheme 2023. Collection method: clinical testing. Allele origin: germline. Not counted in ClinVar's aggregate classification.
Comment: The c.9275_9276delAT pathogenic mutation, located in coding exon 24 of the BRCA2 gene, results from a deletion of two nucleotides between positions 9275 and 9276, causing a translational frameshift with a predicted alternate stop codon. This mutation was detected in an individual with breast cancer who also had at least one other risk factor (familial, bilateral, early onset, male, or multiple organ cancer) for a hereditary breast cancer syndrome (Kim H et al. Breast Cancer Res. Treat. 2012; 134(3):1315-26). In addition to the clinical data presented in the literature, this alteration is expected to result in loss of function by premature protein truncation or nonsense-mediated mRNA decay. As such, this alteration is interpreted as a disease-causing mutation.

Color Diagnostics, LLC DBA Color Health
Classification: Pathogenic for Hereditary cancer-predisposing syndrome. Last evaluated: 2020-04-06. Review status: criteria provided, single submitter. Criteria: ACMG Guidelines, 2015. Collection method: clinical testing. Allele origin: germline. Not counted in ClinVar's aggregate classification.
Comment: This variant deletes 2 nucleotides in exon 25 of the BRCA2 gene, creating a frameshift and premature translation stop signal. This variant is expected to result in an absent or non-functional protein product. This variant has been reported in high-risk individuals of familial breast and/or ovarian cancer (PMID: 22798144, 26187060). This variant has not been identified in the general population by the Genome Aggregation Database (gnomAD). Loss of BRCA2 function is a known mechanism of disease. Based on the available evidence, this variant is classified as Pathogenic.

Consortium of Investigators of Modifiers of BRCA1/2 (CIMBA), c/o University of Cambridge
Classification: Pathogenic for Breast-ovarian cancer, familial, susceptibility to, 2. Last evaluated: 2015-10-02. Review status: criteria provided, single submitter. Criteria: CIMBA Mutation Classification guidelines May 2016. Collection method: clinical testing. Allele origin: germline. Not counted in ClinVar's aggregate classification.

Literature cited by the submitters: PubMed 22798144 (cited by Labcorp Genetics (formerly Invitae), Labcorp and Ambry Genetics); PubMed 28205045 (cited by Labcorp Genetics (formerly Invitae), Labcorp); PubMed 20104584 (cited by Labcorp Genetics (formerly Invitae), Labcorp).